The following is an entry in ClinVar:

NM_000384.3(APOB):c.2867T>C (p.Leu956Pro)

Gene: APOB (apolipoprotein B; minus strand). Cytogenetic location: 2p24.1.
Variant type: single nucleotide variant.
Coding change: c.2867T>C on transcript NM_000384.3 (MANE Select); coding-DNA position 2867, T replaced by C.
Protein change: p.Leu956Pro; replaces leucine 956 with proline.
Molecular consequence: missense variant.
Genome position (GRCh38, 1-based): chr2:21,019,855, A>G on the plus strand (T>C on the coding strand, the complement: APOB is on the minus strand). VCF-style: chr2-21019855-A-G. GRCh37 (hg19) VCF-style: chr2-21242727-A-G.
Other names: short protein forms L956P.
Identifiers: ClinVar variation 3749044 (VCV003749044.2).
Genomic context (GRCh38, chr2:21,019,855, plus strand): 5'-CAGTAATTCAGGCCAGGAAAGACTTGCTTGCAAACTGACCAGGACTGCCTGTTCTCAATG[A>G]GAGGTGGGATCACCTCCGTTTTGGTGGTAGAGACCAAATGTAATGTGTTGCTGGTGAAGA-3'
Protein context (NP_000375.3, residues 946-966): STTKTEVIPP[Leu956Pro]IENRQSWSVC

ClinVar aggregate classification (germline): Uncertain significance (1 of 4 stars; one submission).

Conditions:
Familial hypobetalipoproteinemia 1. Also called: APOB-Related Familial Hypobetalipoproteinemia; Hypobetalipoproteinemia, normotriglyceridemic; Acanthocytosis with hypobetalipoproteinemia. Identifiers: MedGen C4551990, MONDO:0014252, OMIM 615558.
Hypercholesterolemia, autosomal dominant, type B (FHCL2). Also called: Familial Hypercholesterolemia Type B; APOLIPOPROTEIN B-100, FAMILIAL DEFECTIVE; APOLIPOPROTEIN B-100, FAMILIAL LIGAND-DEFECTIVE; HYPERCHOLESTEROLEMIA, FAMILIAL, DUE TO LIGAND-DEFECTIVE APOLIPOPROTEIN B; Hyperlipoproteinemia Type IIb; Familial hypercholesterolemia 2. Identifiers: MedGen C1704417, MONDO:0007751, OMIM 144010.

gnomAD v4.1: 1 of 1,614,194 alleles (0.000062%); highest among the groups gnomAD compares: Non-Finnish European, 0.000085%; no homozygotes.

Submission:

Labcorp Genetics (formerly Invitae), Labcorp
Classification: Uncertain significance for Familial hypobetalipoproteinemia 1; Hypercholesterolemia, autosomal dominant, type B. Last evaluated: 2024-11-21. Review status: criteria provided, single submitter. Criteria: Invitae Variant Classification Sherloc (09022015). Collection method: clinical testing. Allele origin: germline.
Comment: This sequence change replaces leucine, which is neutral and non-polar, with proline, which is neutral and non-polar, at codon 956 of the APOB protein (p.Leu956Pro). This variant is not present in population databases (gnomAD no frequency). This variant has not been reported in the literature in individuals affected with APOB-related conditions. Invitae Evidence Modeling of protein sequence and biophysical properties (such as structural, functional, and spatial information, amino acid conservation, physicochemical variation, residue mobility, and thermodynamic stability) indicates that this missense variant is not expected to disrupt APOB protein function with a negative predictive value of 95%. In summary, the available evidence is currently insufficient to determine the role of this variant in disease. Therefore, it has been classified as a Variant of Uncertain Significance.